The following is an entry in ClinVar:

NM_001113378.2(FANCI):c.3233G>C (p.Arg1078Thr)

Gene: FANCI (FA complementation group I; plus strand). Cytogenetic location: 15q26.1.
Variant type: single nucleotide variant.
Coding change: c.3233G>C on transcript NM_001113378.2 (MANE Select); coding-DNA position 3233, G replaced by C.
Protein change: p.Arg1078Thr; replaces arginine 1078 with threonine.
Molecular consequence: missense variant.
Genome position (GRCh38, 1-based): chr15:89,305,387, G>C. VCF-style: chr15-89305387-G-C. GRCh37 (hg19) VCF-style: chr15-89848618-G-C.
Other names: c.2954G>C, p.Arg985Thr (NM_001376910.1); c.3233G>C, p.Arg1078Thr (NM_001376911.1); c.3053G>C, p.Arg1018Thr (NM_018193.3); short protein forms R1078T, R985T, R1018T.
Identifiers: ClinVar variation 1913962 (VCV001913962.5), dbSNP rs2508430625, ClinGen allele CA393739771.
Genomic context (GRCh38, chr15:89,305,387, plus strand): 5'-CTTCTTTTCCCCAGGATGTAGAGGTGGAGAAAACAAACCACTTTGCAATAGTGAATTTGA[G>C]AACGGCTGCCCCCACTGTCTGTGTAAGTGTTGTACCTGAGCCATGGGGAATAGCTTTGTC-3'
Protein context (NP_001106849.1, residues 1068-1088): KTNHFAIVNL[Arg1078Thr]TAAPTVCLLV

ClinVar aggregate classification (germline): Uncertain significance (1 of 4 stars; one submission).

Conditions:
Fanconi anemia (FA). Also called: Fanconi's anemia. Identifiers: Orphanet 84, MedGen C0015625, MeSH D005199, MONDO:0019391.

Allele frequency attached by ClinVar (database versions not stated): gnomAD exomes below 0.00001.

Submission:

Labcorp Genetics (formerly Invitae), Labcorp
Classification: Uncertain significance for Fanconi anemia. Last evaluated: 2023-12-06. Review status: criteria provided, single submitter. Criteria: Invitae Variant Classification Sherloc (09022015). Collection method: clinical testing. Allele origin: germline.
Comment: This sequence change replaces arginine, which is basic and polar, with threonine, which is neutral and polar, at codon 1078 of the FANCI protein (p.Arg1078Thr). This variant is not present in population databases (gnomAD no frequency). This variant has not been reported in the literature in individuals affected with FANCI-related conditions. ClinVar contains an entry for this variant (Variation ID: 1913962). An algorithm developed to predict the effect of missense changes on protein structure and function (PolyPhen-2) suggests that this variant is likely to be tolerated. In summary, the available evidence is currently insufficient to determine the role of this variant in disease. Therefore, it has been classified as a Variant of Uncertain Significance.